The following is an entry in ClinVar:

ClinVar aggregate classification (germline): Uncertain significance. Review status: criteria provided, multiple submitters, no conflicts (2 of 4 stars). 3 submissions from 3 submitters: Uncertain significance (2). 1 of the submissions does not count toward it. Last evaluated 2025-11-24.

Conditions:
PLOD3-related disorder. Also called: PLOD3-related condition.

Allele frequency attached by ClinVar (database versions not stated): gnomAD 0.00001; TOPMed 0.00001; gnomAD exomes 0.00007.
gnomAD v4.1: 21 of 1,599,206 alleles (0.0013%); highest among the groups gnomAD compares: Admixed American, 0.026%; no homozygotes.

Submissions (3):

Labcorp Genetics (formerly Invitae), Labcorp
Classification: Uncertain significance. Last evaluated: 2025-11-24. Review status: criteria provided, single submitter. Criteria: Invitae Variant Classification Sherloc (09022015). Collection method: clinical testing. Allele origin: germline.
Comment: This sequence change replaces arginine, which is basic and polar, with glutamine, which is neutral and polar, at codon 452 of the PLOD3 protein (p.Arg452Gln). This variant is present in population databases (rs370762684, gnomAD 0.05%). This variant has not been reported in the literature in individuals affected with PLOD3-related conditions. ClinVar contains an entry for this variant (Variation ID: 618837). Invitae Evidence Modeling of protein sequence and biophysical properties (such as structural, functional, and spatial information, amino acid conservation, physicochemical variation, residue mobility, and thermodynamic stability) indicates that this missense variant is not expected to disrupt PLOD3 protein function with a negative predictive value of 80%. In summary, the available evidence is currently insufficient to determine the role of this variant in disease. Therefore, it has been classified as a Variant of Uncertain Significance.

ARUP Laboratories, Molecular Genetics and Genomics, ARUP Laboratories
Classification: Uncertain significance. Last evaluated: 2017-06-20. Review status: criteria provided, single submitter. Criteria: ARUP Molecular Germline Variant Investigation Process. Collection method: clinical testing. Allele origin: germline.

PreventionGenetics, part of Exact Sciences
Classification: Uncertain significance for PLOD3-related condition. Last evaluated: 2024-04-24. Review status: no assertion criteria provided. Collection method: clinical testing. Allele origin: germline. Not counted in ClinVar's aggregate classification.
Comment: The PLOD3 c.1355G>A variant is predicted to result in the amino acid substitution p.Arg452Gln. To our knowledge, this variant has not been reported in the literature. This variant is reported in 0.045% of alleles in individuals of Latino descent in gnomAD. At this time, the clinical significance of this variant is uncertain due to the absence of conclusive functional and genetic evidence.

NM_001084.5(PLOD3):c.1355G>A (p.Arg452Gln)

Gene: PLOD3 (procollagen-lysine,2-oxoglutarate 5-dioxygenase 3; minus strand). Cytogenetic location: 7q22.1.
Variant type: single nucleotide variant.
Coding change: c.1355G>A on transcript NM_001084.5 (MANE Select); coding-DNA position 1355, G replaced by A.
Protein change: p.Arg452Gln; replaces arginine 452 with glutamine.
Molecular consequence: missense variant.
Genome position (GRCh38, 1-based): chr7:101,211,594, C>T on the plus strand (G>A on the coding strand, the complement: PLOD3 is on the minus strand). VCF-style: chr7-101211594-C-T. GRCh37 (hg19) VCF-style: chr7-100854875-C-T.
Other names: short protein forms R452Q.
Identifiers: ClinVar variation 618837 (VCV000618837.13), dbSNP rs370762684, ClinGen allele CA4407728.